The following is an entry in ClinVar:

NM_024570.4(RNASEH2B):c.699-9C>G

Gene: RNASEH2B (ribonuclease H2 subunit B; plus strand). Cytogenetic location: 13q14.3.
Variant type: single nucleotide variant.
Coding change: c.699-9C>G on transcript NM_024570.4 (MANE Select); 9 bases into the intron before coding-DNA position 699, C replaced by G.
Molecular consequence: intron variant.
Genome position (GRCh38, 1-based): chr13:50,949,454, C>G. VCF-style: chr13-50949454-C-G. GRCh37 (hg19) VCF-style: chr13-51523590-C-G.
Other names: c.699-9C>G (NM_001142279.2).
Identifiers: ClinVar variation 1495849 (VCV001495849.5), dbSNP rs2138005108, ClinGen allele CA2573149678.

ClinVar aggregate classification (germline): Uncertain significance (1 of 4 stars; one submission).

Conditions:
Aicardi-Goutieres syndrome 2. Identifiers: Orphanet 51, MedGen C3489724, MONDO:0012429, OMIM 610181.

Allele frequency attached by ClinVar (database versions not stated): gnomAD exomes below 0.00001.

Submission:

Labcorp Genetics (formerly Invitae), Labcorp
Classification: Uncertain significance for Aicardi-Goutieres syndrome 2. Last evaluated: 2021-08-24. Review status: criteria provided, single submitter. Criteria: Invitae Variant Classification Sherloc (09022015). Collection method: clinical testing. Allele origin: germline.
Comment: This sequence change falls in intron 8 of the RNASEH2B gene. It does not directly change the encoded amino acid sequence of the RNASEH2B protein. This variant is not present in population databases (ExAC no frequency). This variant has not been reported in the literature in individuals affected with RNASEH2B-related conditions. Algorithms developed to predict the effect of sequence changes on RNA splicing suggest that this variant may disrupt the consensus splice site. In summary, the available evidence is currently insufficient to determine the role of this variant in disease. Therefore, it has been classified as a Variant of Uncertain Significance.